The following is an entry in ClinVar:

ClinVar aggregate classification (germline): Uncertain significance. Review status: criteria provided, multiple submitters, no conflicts (2 of 4 stars). 2 submissions from 2 submitters: Uncertain significance (2). Last evaluated 2025-01-16.

Conditions:
Hereditary cancer-predisposing syndrome. Also called: Neoplastic Syndromes, Hereditary; Hereditary Cancer Syndrome; Tumor predisposition; Hereditary neoplastic syndrome. Identifiers: Orphanet 140162, MedGen C0027672, MeSH D009386, MONDO:0015356.
Ataxia-telangiectasia syndrome (AT). Also called: LOUIS-BAR SYNDROME; Cerebello-oculocutaneous telangiectasia; Immunodeficiency with ataxia telangiectasia; Ataxia-telangiectasia, complementation group D; AT, COMPLEMENTATION GROUP C; Ataxia-telangiectasia, complementation group E. Identifiers: Orphanet 100, MedGen C0004135, MONDO:0008840, OMIM 208900.

Allele frequency attached by ClinVar (database versions not stated): gnomAD exomes below 0.00001.
gnomAD v4.1: 2 of 1,614,216 alleles (0.00012%); highest among the groups gnomAD compares: Non-Finnish European, 0.00017%; no homozygotes.

Submissions (2):

Ambry Genetics
Classification: Uncertain significance for Hereditary cancer-predisposing syndrome. Last evaluated: 2025-01-16. Review status: criteria provided, single submitter. Criteria: Ambry Variant Classification Scheme 2023. Collection method: clinical testing. Allele origin: germline.
Comment: The p.L2475S variant (also known as c.7424T>C), located in coding exon 49 of the ATM gene, results from a T to C substitution at nucleotide position 7424. The leucine at codon 2475 is replaced by serine, an amino acid with dissimilar properties. This amino acid position is not well conserved in available vertebrate species. In addition, the in silico prediction for this alteration is inconclusive. Based on the available evidence, the clinical significance of this variant remains unclear.

Labcorp Genetics (formerly Invitae), Labcorp
Classification: Uncertain significance for Ataxia-telangiectasia syndrome. Last evaluated: 2024-06-11. Review status: criteria provided, single submitter. Criteria: Invitae Variant Classification Sherloc (09022015). Collection method: clinical testing. Allele origin: germline.
Comment: This sequence change replaces leucine, which is neutral and non-polar, with serine, which is neutral and polar, at codon 2475 of the ATM protein (p.Leu2475Ser). This variant is present in population databases (no rsID available, gnomAD 0.0009%). This variant has not been reported in the literature in individuals affected with ATM-related conditions. ClinVar contains an entry for this variant (Variation ID: 453683). An algorithm developed to predict the effect of missense changes on protein structure and function (PolyPhen-2) suggests that this variant¬†is likely to be tolerated. In summary, the available evidence is currently insufficient to determine the role of this variant in disease. Therefore, it has been classified as a Variant of Uncertain Significance.

NM_000051.4(ATM):c.7424T>C (p.Leu2475Ser)

Genes: ATM (ATM serine/threonine kinase; plus strand), C11orf65 (chromosome 11 open reading frame 65; minus strand). Cytogenetic location: 11q22.3.
Variant type: single nucleotide variant.
Coding change: c.7424T>C on transcript NM_000051.4 (MANE Select); coding-DNA position 7424, T replaced by C.
Protein change: p.Leu2475Ser; replaces leucine 2475 with serine.
Molecular consequence: missense variant. On other transcripts: intron variant (2).
Genome position (GRCh38, 1-based): chr11:108,330,330, T>C. VCF-style: chr11-108330330-T-C. GRCh37 (hg19) VCF-style: chr11-108201057-T-C.
Other names: c.7424T>C, p.Leu2475Ser (NM_001351834.2); c.641-21259A>G (NM_001330368.2); c.*38+4890A>G (NM_001351110.2); short protein forms L2475S.
Identifiers: ClinVar variation 453683 (VCV000453683.10), dbSNP rs1224883896, ClinGen allele CA382560217.